The following is an entry in ClinVar:

ClinVar aggregate classification (germline): Uncertain significance (1 of 4 stars; one submission).

Allele frequency attached by ClinVar (database versions not stated): gnomAD exomes 0.00001; TOPMed 0.00001.
gnomAD v4.1: 19 of 1,613,960 alleles (0.0012%); highest among the groups gnomAD compares: East Asian, 0.0022%; no homozygotes.

Submission:

Labcorp Genetics (formerly Invitae), Labcorp
Classification: Uncertain significance. Last evaluated: 2022-04-09. Review status: criteria provided, single submitter. Criteria: Invitae Variant Classification Sherloc (09022015). Collection method: clinical testing. Allele origin: germline.
Comment: This sequence change replaces alanine, which is neutral and non-polar, with serine, which is neutral and polar, at codon 932 of the HPS5 protein (p.Ala932Ser). This variant is present in population databases (no rsID available, gnomAD 0.0009%). This variant has not been reported in the literature in individuals affected with HPS5-related conditions. Algorithms developed to predict the effect of missense changes on protein structure and function are either unavailable or do not agree on the potential impact of this missense change (SIFT: "Deleterious"; PolyPhen-2: "Probably Damaging"; Align-GVGD: "Class C0"). In summary, the available evidence is currently insufficient to determine the role of this variant in disease. Therefore, it has been classified as a Variant of Uncertain Significance.

NM_181507.2(HPS5):c.2794G>T (p.Ala932Ser)

Gene: HPS5 (HPS5 biogenesis of lysosomal organelles complex 2 subunit 2; minus strand). Cytogenetic location: 11p15.1.
Variant type: single nucleotide variant.
Coding change: c.2794G>T on transcript NM_181507.2 (MANE Select); coding-DNA position 2794, G replaced by T.
Protein change: p.Ala932Ser; replaces alanine 932 with serine.
Molecular consequence: missense variant.
Genome position (GRCh38, 1-based): chr11:18,286,634, C>A on the plus strand (G>T on the coding strand, the complement: HPS5 is on the minus strand). VCF-style: chr11-18286634-C-A. GRCh37 (hg19) VCF-style: chr11-18308181-C-A.
Other names: c.2452G>T, p.Ala818Ser (NM_007216.4, NM_181508.2); short protein forms A818S, A932S.
Identifiers: ClinVar variation 1387960 (VCV001387960.5), dbSNP rs1405118538, ClinGen allele CA379516750.